The following is an entry in ClinVar:

NC_000009.11:g.(?_98211526)_(98245954_?)del

Gene: PTCH1 (patched 1; minus strand). Cytogenetic location: 9q22.32.
Variant type: Deletion.
Identifiers: ClinVar variation 3245055 (VCV003245055.1).

ClinVar aggregate classification (germline): Pathogenic (1 of 4 stars; one submission).

Conditions:
Gorlin syndrome. Also called: Basal cell nevus syndrome; Nevoid Basal Cell Carcinoma Syndrome. Identifiers: Orphanet 377, MedGen C0004779, MONDO:0007187.

Submission:

Labcorp Genetics (formerly Invitae), Labcorp
Classification: Pathogenic for Gorlin syndrome. Last evaluated: 2023-09-08. Review status: criteria provided, single submitter. Criteria: Invitae Variant Classification Sherloc (09022015). Collection method: clinical testing. Allele origin: unknown.
Comment: This variant disrupts a region of the PTCH1 protein in which other variant(s) (p.Gly1167Arg) have been determined to be pathogenic (PMID: 10890722, 15712338, 18502968; Invitae). This suggests that this is a clinically significant region of the protein, and that variants that disrupt it are likely to be disease-causing. This variant results in the deletion of exons 4 -21 and part of exon 22 (c.585-1469_3629delins60) of the PTCH1 gene. It is expected to disrupt RNA splicing. Variants that disrupt the donor or acceptor splice site typically lead to a loss of protein function (PMID: 16199547), and loss-of-function variants in PTCH1 are known to be pathogenic (PMID: 16301862, 16419085). This variant has not been reported in the literature in individuals affected with PTCH1-related conditions. For these reasons, this variant has been classified as Pathogenic.

Literature cited by the submitters: PubMed 10890722; PubMed 15712338; PubMed 18502968; PubMed 16199547; PubMed 16301862; PubMed 16419085.